The following is an entry in ClinVar:

NM_001197104.2(KMT2A):c.172C>G (p.Pro58Ala)

Gene: KMT2A (lysine methyltransferase 2A; plus strand). Cytogenetic location: 11q23.3.
Variant type: single nucleotide variant.
Coding change: c.172C>G on transcript NM_001197104.2 (MANE Select); coding-DNA position 172, C replaced by G.
Protein change: p.Pro58Ala; replaces proline 58 with alanine.
Molecular consequence: missense variant.
Genome position (GRCh38, 1-based): chr11:118,436,684, C>G. VCF-style: chr11-118436684-C-G. GRCh37 (hg19) VCF-style: chr11-118307399-C-G.
Other names: c.172C>G, p.Pro58Ala (NM_005933.4); short protein forms P58A.
Identifiers: ClinVar variation 1511296 (VCV001511296.10), dbSNP rs1217431375, ClinGen allele CA382797403.

ClinVar aggregate classification (germline): Uncertain significance. Review status: criteria provided, multiple submitters, no conflicts (2 of 4 stars). 2 submissions from 2 submitters: Uncertain significance (2). Last evaluated 2024-11-05.

gnomAD v4.1: 2 of 1,275,100 alleles (0.00016%); highest among the groups gnomAD compares: South Asian, 0.0031%; no homozygotes.

Submissions (2):

Labcorp Genetics (formerly Invitae), Labcorp
Classification: Uncertain significance. Last evaluated: 2024-11-05. Review status: criteria provided, single submitter. Criteria: Invitae Variant Classification Sherloc (09022015). Collection method: clinical testing. Allele origin: germline.
Comment: This sequence change replaces proline, which is neutral and non-polar, with alanine, which is neutral and non-polar, at codon 58 of the KMT2A protein (p.Pro58Ala). This variant is not present in population databases (gnomAD no frequency). This variant has not been reported in the literature in individuals affected with KMT2A-related conditions. ClinVar contains an entry for this variant (Variation ID: 1511296). Invitae Evidence Modeling of protein sequence and biophysical properties (such as structural, functional, and spatial information, amino acid conservation, physicochemical variation, residue mobility, and thermodynamic stability) has been performed for this missense variant. However, the output from this modeling did not meet the statistical confidence thresholds required to predict the impact of this variant on KMT2A protein function. In summary, the available evidence is currently insufficient to determine the role of this variant in disease. Therefore, it has been classified as a Variant of Uncertain Significance.

Dubai Health Genomic Medicine Center, Dubai Health
Classification: Uncertain significance. Last evaluated: 2022-12-17. Review status: criteria provided, single submitter. Criteria: ACMG Guidelines, 2015. Collection method: clinical testing. Allele origin: germline. Affected: yes.